The following is an entry in ClinVar:

NC_012920.1(MT-ATP6):m.8750T>C

Gene: MT-ATP6 (mitochondrially encoded ATP synthase 6; plus strand).
Variant type: single nucleotide variant.
Genome position: chrM-8750-T-C.
Identifiers: ClinVar variation 692973 (VCV000692973.1), dbSNP rs1603221765, ClinGen allele CA414797832.

ClinVar aggregate classification (germline): Likely benign (1 of 4 stars; one submission).

Conditions:
Leigh syndrome (NULS). Also called: Leigh's necrotizing encephalopathy; Leigh's disease; Leigh Syndrome (mtDNA deletion); Leigh Disease; Subacute necrotizing encephalopathy; Necrotizing encephalopathy infantile subacute of Leigh. Identifiers: Orphanet 506, MedGen C2931891, MONDO:0009723, OMIM 256000.

Submission:

Wong Mito Lab, Molecular and Human Genetics, Baylor College of Medicine
Classification: Likely benign for Leigh syndrome. Last evaluated: 2019-10-17. Review status: criteria provided, single submitter. Criteria: Modified ACMG Guidelines (Unpublished). Collection method: clinical testing. Allele origin: germline.
Comment: The NC_012920.1:m.8750T>C (YP_003024031.1:p.Leu75Ser) variant in MTATP6 gene is interpretated to be a Likely Benign variant based on the modified ACMG guidelines (unpublished). This variant meets the following evidence codes: BS1, BP6